The following is an entry in ClinVar:

NC_000009.11:g.(?_101570157)_(101573521_?)del

Gene: GALNT12 (polypeptide N-acetylgalactosaminyltransferase 12; plus strand). Cytogenetic location: 9q22.33.
Variant type: Deletion.
Identifiers: ClinVar variation 3245369 (VCV003245369.1).

ClinVar aggregate classification (germline): Uncertain significance (1 of 4 stars; one submission).

Submission:

Labcorp Genetics (formerly Invitae), Labcorp
Classification: Uncertain significance. Last evaluated: 2023-06-09. Review status: criteria provided, single submitter. Criteria: Invitae Variant Classification Sherloc (09022015). Collection method: clinical testing. Allele origin: unknown.
Comment: This variant results in the deletion of part of exon 1 (c.177_371+3170delinsT) of the GALNT12 gene. It is expected to disrupt RNA splicing. Variants that disrupt the donor or acceptor splice site typically lead to a loss of protein function (PMID: 16199547), however the current clinical and genetic evidence is not sufficient to establish whether loss-of-function variants in GALNT12 cause disease. In summary, the available evidence is currently insufficient to determine the role of this variant in disease. Therefore, it has been classified as a Variant of Uncertain Significance. Experimental studies and prediction algorithms are not available or were not evaluated, and the functional significance of this variant is currently unknown. This variant has not been reported in the literature in individuals affected with GALNT12-related conditions.

Literature cited by the submitters: PubMed 16199547.